The following is an entry in ClinVar:

ClinVar aggregate classification (germline): Uncertain significance (1 of 4 stars; one submission).

Conditions:
Cardiovascular phenotype. Identifiers: MedGen CN230736.

Allele frequency attached by ClinVar (database versions not stated): gnomAD exomes below 0.00001; ExAC 0.00001.
gnomAD v4.1: 5 of 1,614,084 alleles (0.00031%); highest among the groups gnomAD compares: South Asian, 0.0055%; no homozygotes.

Submission:

Ambry Genetics
Classification: Uncertain significance for Cardiovascular phenotype. Last evaluated: 2024-09-15. Review status: criteria provided, single submitter. Criteria: Ambry Variant Classification Scheme 2023. Collection method: clinical testing. Allele origin: germline.
Comment: The p.N1290T variant (also known as c.3869A>C), located in coding exon 25 of the APOB gene, results from an A to C substitution at nucleotide position 3869. The asparagine at codon 1290 is replaced by threonine, an amino acid with similar properties. This amino acid position is conserved. In addition, this alteration is predicted to be tolerated by in silico analysis. Based on the available evidence, the clinical significance of this variant remains unclear.

NM_000384.3(APOB):c.3869A>C (p.Asn1290Thr)

Gene: APOB (apolipoprotein B; minus strand). Cytogenetic location: 2p24.1.
Variant type: single nucleotide variant.
Coding change: c.3869A>C on transcript NM_000384.3 (MANE Select); coding-DNA position 3869, A replaced by C.
Protein change: p.Asn1290Thr; replaces asparagine 1290 with threonine.
Molecular consequence: missense variant.
Genome position (GRCh38, 1-based): chr2:21,013,507, T>G on the plus strand (A>C on the coding strand, the complement: APOB is on the minus strand). VCF-style: chr2-21013507-T-G. GRCh37 (hg19) VCF-style: chr2-21236379-T-G.
Other names: short protein forms N1290T.
Identifiers: ClinVar variation 3416000 (VCV003416000.1), dbSNP rs749608934.